The following is an entry in ClinVar:

ClinVar aggregate classification (germline): Benign. Review status: criteria provided, multiple submitters, no conflicts (2 of 4 stars). 9 submissions from 8 submitters: Benign (9). Last evaluated 2026-02-04.

Conditions:
Cholestasis, progressive familial intrahepatic, 4. Identifiers: Orphanet 480483, Orphanet 79304, MedGen C2931067, MONDO:0014381, OMIM 615878.
Hypercholanemia, familial 1 (FHCA1). Identifiers: Orphanet 238475, MedGen C5542604, MONDO:0031446, OMIM 607748.

Allele frequency attached by ClinVar (database versions not stated): ESP Exome Variant Server 0.19737; gnomAD 0.22643 and 0.22865; TOPMed 0.24411; ExAC 0.26056; 1000 Genomes Project 0.28415; 1000 Genomes Project 30x 0.28482.
gnomAD v4.1: 365,302 of 1,613,750 alleles (23%); highest among the groups gnomAD compares: Admixed American, 48%; 45,455 homozygotes.

Submissions (9):

Labcorp Genetics (formerly Invitae), Labcorp
Classification: Benign. Last evaluated: 2026-02-04. Review status: criteria provided, single submitter. Criteria: Invitae Variant Classification Sherloc (09022015). Collection method: clinical testing. Allele origin: germline.

Mayo Clinic Laboratories, Mayo Clinic
Classification: Benign. Last evaluated: 2022-05-05. Review status: criteria provided, single submitter. Criteria: ACMG Guidelines, 2015. Collection method: clinical testing. Allele origin: germline. Observed: 322 variant alleles.

Genome-Nilou Lab
Classification: Benign for Cholestasis, progressive familial intrahepatic, 4. Last evaluated: 2021-09-10. Review status: criteria provided, single submitter. Criteria: ACMG Guidelines, 2015. Collection method: clinical testing. Allele origin: germline. Affected: no.

Genome-Nilou Lab
Classification: Benign for Hypercholanemia, familial 1. Last evaluated: 2021-09-10. Review status: criteria provided, single submitter. Criteria: ACMG Guidelines, 2015. Collection method: clinical testing. Allele origin: germline. Affected: no.

GeneDx
Classification: Benign. Last evaluated: 2017-05-09. Review status: criteria provided, single submitter. Criteria: GeneDx Variant Classification (06012015). Collection method: clinical testing. Allele origin: germline. Affected: yes.
Comment: This variant is considered likely benign or benign based on one or more of the following criteria: it is a conservative change, it occurs at a poorly conserved position in the protein, it is predicted to be benign by multiple in silico algorithms, and/or has population frequency not consistent with disease.

Eurofins Ntd Llc (ga)
Classification: Benign. Last evaluated: 2016-11-07. Review status: criteria provided, single submitter. Criteria: EGL Classification Definitions 2015. Collection method: clinical testing. Allele origin: germline. Observed: 1 variant allele, 1 homozygote.

Laboratory for Molecular Medicine, Mass General Brigham Personalized Medicine
Classification: Benign. Last evaluated: 2012-11-29. Review status: criteria provided, single submitter. Criteria: LMM Criteria. Collection method: clinical testing. Allele origin: germline. Observed: 263 variant alleles.
Comment: Ala909Ala in exon 19E of TJP2: This variant is not expected to have clinical sig nificance because it does not alter an amino acid residue, is not located within the splice consensus sequence, and it has been identified in 21% (1812/8600) of European American chromosomes and 17% (755/4406) of African American chromosome s from a broad population by the NHLBI Exome Sequencing Project (dbSNP rs2095876)

Breakthrough Genomics
Classification: Benign. Review status: criteria provided, single submitter. Criteria: ACMG Guidelines, 2015. Collection method: not provided. Allele origin: germline. Inheritance: Autosomal recessive inheritance. Affected: yes.

PreventionGenetics, part of Exact Sciences
Classification: Benign. Review status: criteria provided, single submitter. Criteria: ACMG Guidelines, 2015. Collection method: clinical testing. Allele origin: germline.

NM_004817.4(TJP2):c.2727G>A (p.Ala909=)

Gene: TJP2 (tight junction protein 2; plus strand). Cytogenetic location: 9q21.11.
Variant type: single nucleotide variant.
Coding change: c.2727G>A on transcript NM_004817.4 (MANE Select); coding-DNA position 2727, G replaced by A.
Protein change: p.Ala909=; no amino-acid change (alanine 909 retained).
Molecular consequence: synonymous variant. On other transcripts: intron variant (1).
Genome position (GRCh38, 1-based): chr9:69,248,071, G>A. VCF-style: chr9-69248071-G-A. GRCh37 (hg19) VCF-style: chr9-71862987-G-A.
Other names: p.Ala909=; c.2658G>A, p.Ala886= (NM_001170414.2, NM_001369871.1); c.2739G>A, p.Ala913= (NM_001170415.1, NM_001369874.1, NM_001369875.1); c.2820G>A, p.Ala940= (NM_001170416.2); c.2652G>A, p.Ala884= (NM_001369870.1); c.2727G>A, p.Ala909= (NM_001369872.1, NM_201629.3); c.2667+1281G>A (NM_001369873.1).
Identifiers: ClinVar variation 44106 (VCV000044106.22), dbSNP rs2095876, ClinGen allele CA133585.
Genomic context (GRCh38, chr9:69,248,071, plus strand): 5'-GATGGAAGGGATGGATGATGACCCCGAAGACCGCATGTCCTACTTAACCGCCATGGGCGC[G>A]GACTATCTGAGTTGCGACAGCCGCCTCATCAGTGACTTTGAAGACACGGACGGTGAAGGA-3'
Protein context (NP_004808.2, residues 899-919): DRMSYLTAMG[Ala909=]DYLSCDSRLI